The following is an entry in ClinVar:

ClinVar aggregate classification (germline): Uncertain significance. Review status: criteria provided, multiple submitters, no conflicts (2 of 4 stars). 2 submissions from 2 submitters: Uncertain significance (2). Last evaluated 2024-09-06.

Conditions:
Hereditary cancer-predisposing syndrome. Also called: Hereditary Cancer Syndrome; Hereditary neoplastic syndrome; Neoplastic Syndromes, Hereditary; Tumor predisposition. Identifiers: Orphanet 140162, MedGen C0027672, MeSH D009386, MONDO:0015356.
Chuvash polycythemia. Also called: POLYCYTHEMIA, VHL-DEPENDENT. Identifiers: Orphanet 238557, MedGen C1837915, MONDO:0009892, OMIM 263400.
Von Hippel-Lindau syndrome (VHLS). Also called: VHL syndrome; von Hippel–Lindau syndrome; Von Hippel-Lindau. Identifiers: Orphanet 892, MedGen C0019562, MONDO:0008667, OMIM 193300. Disease mechanism: loss of function.

Submissions (2):

Ambry Genetics
Classification: Uncertain significance for Hereditary cancer-predisposing syndrome. Last evaluated: 2024-09-06. Review status: criteria provided, single submitter. Criteria: Ambry Variant Classification Scheme 2023. Collection method: clinical testing. Allele origin: germline.
Comment: The p.H191Q variant (also known as c.573C>G), located in coding exon 3 of the VHL gene, results from a C to G substitution at nucleotide position 573. The histidine at codon 191 is replaced by glutamine, an amino acid with highly similar properties. This variant was determined to be functionally neutral in one saturation genome editing assay (Buckley M et al. Nat Genet, 2024 Jul;56:1446-1455). This amino acid position is well conserved in available vertebrate species. In addition, the in silico prediction for this alteration is inconclusive. Based on the available evidence, the clinical significance of this variant remains unclear.

Labcorp Genetics (formerly Invitae), Labcorp
Classification: Uncertain significance for Von Hippel-Lindau syndrome; Chuvash polycythemia. Last evaluated: 2024-02-26. Review status: criteria provided, single submitter. Criteria: Invitae Variant Classification Sherloc (09022015). Collection method: clinical testing. Allele origin: germline.
Comment: This sequence change replaces histidine, which is basic and polar, with glutamine, which is neutral and polar, at codon 191 of the VHL protein (p.His191Gln). This variant is not present in population databases (gnomAD no frequency). This variant has not been reported in the literature in individuals affected with VHL-related conditions. Advanced modeling of protein sequence and biophysical properties (such as structural, functional, and spatial information, amino acid conservation, physicochemical variation, residue mobility, and thermodynamic stability) has been performed at Invitae for this missense variant, however the output from this modeling did not meet the statistical confidence thresholds required to predict the impact of this variant on VHL protein function. This variant disrupts the p.His191 amino acid residue in VHL. Other variant(s) that disrupt this residue have been determined to be pathogenic (PMID: 12844285, 23403324, 27651169). This suggests that this residue is clinically significant, and that variants that disrupt this residue are likely to be disease-causing. In summary, the available evidence is currently insufficient to determine the role of this variant in disease. Therefore, it has been classified as a Variant of Uncertain Significance.

Literature cited by the submitters: PubMed 38969834 (cited by Ambry Genetics); PubMed 12844285 (cited by Labcorp Genetics (formerly Invitae), Labcorp); PubMed 23403324 (cited by Labcorp Genetics (formerly Invitae), Labcorp); PubMed 27651169 (cited by Labcorp Genetics (formerly Invitae), Labcorp).

NM_000551.4(VHL):c.573C>G (p.His191Gln)

Genes: VHL (von Hippel-Lindau tumor suppressor; plus strand), LOC107303340 (3p25 von Hippel-Lindau tumor suppressor, E3 ubiquitin protein ligase Alu-mediated recombination region; plus strand). Cytogenetic location: 3p25.3.
Variant type: single nucleotide variant.
Coding change: c.573C>G on transcript NM_000551.4 (MANE Select); coding-DNA position 573, C replaced by G.
Protein change: p.His191Gln; replaces histidine 191 with glutamine.
Molecular consequence: missense variant. On other transcripts: 3 prime UTR variant (1), non-coding transcript variant (1).
Genome position (GRCh38, 1-based): chr3:10,149,896, C>G. VCF-style: chr3-10149896-C-G. GRCh37 (hg19) VCF-style: chr3-10191580-C-G.
Other names: c.*127C>G (NM_001354723.2); c.450C>G, p.His150Gln (NM_198156.3); short protein forms H191Q, H150Q.
Identifiers: ClinVar variation 3468029 (VCV003468029.3).